The following is an entry in ClinVar:

ClinVar aggregate classification (germline): Uncertain significance (1 of 4 stars; one submission).

Allele frequency attached by ClinVar (database versions not stated): ExAC 0.00001; TOPMed 0.00001; gnomAD exomes 0.00002.
gnomAD v4.1: 31 of 1,613,854 alleles (0.0019%); highest among the groups gnomAD compares: Non-Finnish European, 0.0026%; no homozygotes.

Submission:

Labcorp Genetics (formerly Invitae), Labcorp
Classification: Uncertain significance. Last evaluated: 2022-02-03. Review status: criteria provided, single submitter. Criteria: Invitae Variant Classification Sherloc (09022015). Collection method: clinical testing. Allele origin: germline.
Comment: In summary, the available evidence is currently insufficient to determine the role of this variant in disease. Therefore, it has been classified as a Variant of Uncertain Significance. Advanced modeling of protein sequence and biophysical properties (such as structural, functional, and spatial information, amino acid conservation, physicochemical variation, residue mobility, and thermodynamic stability) performed at Invitae indicates that this missense variant is expected to disrupt ECHS1 protein function. This variant has not been reported in the literature in individuals affected with ECHS1-related conditions. This variant is present in population databases (rs759068105, gnomAD 0.0009%). This sequence change replaces leucine, which is neutral and non-polar, with valine, which is neutral and non-polar, at codon 262 of the ECHS1 protein (p.Leu262Val).

NM_004092.4(ECHS1):c.784C>G (p.Leu262Val)

Gene: ECHS1 (enoyl-CoA hydratase, short chain 1; minus strand). Cytogenetic location: 10q26.3.
Variant type: single nucleotide variant.
Coding change: c.784C>G on transcript NM_004092.4 (MANE Select); coding-DNA position 784, C replaced by G.
Protein change: p.Leu262Val; replaces leucine 262 with valine.
Molecular consequence: missense variant.
Genome position (GRCh38, 1-based): chr10:133,364,681, G>C on the plus strand (C>G on the coding strand, the complement: ECHS1 is on the minus strand). VCF-style: chr10-133364681-G-C. GRCh37 (hg19) VCF-style: chr10-135178185-G-C.
Other names: short protein forms L262V.
Identifiers: ClinVar variation 2092300 (VCV002092300.4), dbSNP rs759068105, ClinGen allele CA5765648.
Genomic context (GRCh38, chr10:133,364,681, plus strand): 5'-ATTTGCTTGATTCTCCGGTTGAACACTGTTTACTCACAGTGGCAAAGGTTGAATAAAAGA[G>C]TTTCTTCTCCAACTTACTTCCTTCTGTTAATGTCATTTCAAAAGCTGAAAAACAAAGTCC-3'
Protein context (NP_004083.3, residues 252-272): LTEGSKLEKK[Leu262Val]FYSTFATDDR